The following is an entry in ClinVar:

NM_000256.3(MYBPC3):c.1563C>G (p.Asp521Glu)

Gene: MYBPC3 (myosin binding protein C3; minus strand). Cytogenetic location: 11p11.2.
Variant type: single nucleotide variant.
Coding change: c.1563C>G on transcript NM_000256.3 (MANE Select); coding-DNA position 1563, C replaced by G.
Protein change: p.Asp521Glu; replaces aspartic acid 521 with glutamic acid.
Molecular consequence: missense variant.
Genome position (GRCh38, 1-based): chr11:47,342,639, G>C on the plus strand (C>G on the coding strand, the complement: MYBPC3 is on the minus strand). VCF-style: chr11-47342639-G-C. GRCh37 (hg19) VCF-style: chr11-47364190-G-C.
Other names: short protein forms D521E.
Identifiers: ClinVar variation 3365912 (VCV003365912.1).

ClinVar aggregate classification (germline): Uncertain significance (1 of 4 stars; one submission).

Submission:

GeneDx
Classification: Uncertain significance. Last evaluated: 2023-12-19. Review status: criteria provided, single submitter. Criteria: GeneDx Variant Classification Process June 2021. Collection method: clinical testing. Allele origin: germline. Affected: yes.
Comment: Not observed at significant frequency in large population cohorts (gnomAD); In silico analysis supports that this missense variant has a deleterious effect on protein structure/function; Has not been previously published as pathogenic or benign to our knowledge